The following is an entry in ClinVar:

ClinVar aggregate classification (germline): Pathogenic/Likely pathogenic. Review status: criteria provided, multiple submitters, no conflicts (2 of 4 stars). 4 submissions from 4 submitters: Pathogenic (1); Likely pathogenic (1). 2 of the submissions do not count toward it. Last evaluated 2023-02-28.

Conditions:
CACNA1A-related disorder. Also called: CACNA1A-related condition.
Developmental and epileptic encephalopathy, 42 (DEE42A). Also called: Epileptic encephalopathy, early infantile, 42; DEVELOPMENTAL AND EPILEPTIC ENCEPHALOPATHY 42A; EPILEPTIC ENCEPHALOPATHY, EARLY INFANTILE, 42A. Identifiers: MedGen C4310716, MONDO:0014917, OMIM 617106.
Episodic ataxia type 2 (EA2). Also called: ATAXIA, EPISODIC, WITH NYSTAGMUS; ATAXIA, FAMILIAL PAROXYSMAL; CEREBELLAR ATAXIA, PAROXYSMAL, ACETAZOLAMIDE-RESPONSIVE; CEREBELLOPATHY, HEREDITARY PAROXYSMAL; EPISODIC ATAXIA, NYSTAGMUS-ASSOCIATED; ACETAZOLAMIDE-RESPONSIVE HEREDITARY PAROXYSMAL CEREBELLAR ATAXIA. Identifiers: Orphanet 97, MedGen C1720416, MONDO:0007163, OMIM 108500.

Submissions (4):

Labcorp Genetics (formerly Invitae), Labcorp
Classification: Pathogenic for Developmental and epileptic encephalopathy, 42; Episodic ataxia type 2. Last evaluated: 2023-02-28. Review status: criteria provided, single submitter. Criteria: Invitae Variant Classification Sherloc (09022015). Collection method: clinical testing. Allele origin: germline.
Comment: ClinVar contains an entry for this variant (Variation ID: 1526277). For these reasons, this variant has been classified as Pathogenic. This variant has not been reported in the literature in individuals affected with CACNA1A-related conditions. This variant is not present in population databases (gnomAD no frequency). This sequence change creates a premature translational stop signal (p.Asn2062Leufs*60) in the CACNA1A gene. It is expected to result in an absent or disrupted protein product. Loss-of-function variants in CACNA1A are known to be pathogenic (PMID: 10371528, 19486177, 25735478, 27250579).

University of Washington Department of Laboratory Medicine, University of Washington
Classification: Likely pathogenic for Developmental and epileptic encephalopathy, 42. Last evaluated: 2021-08-04. Review status: criteria provided, single submitter. Criteria: ACMG Guidelines, 2015. Collection method: clinical testing. Allele origin: paternal. Affected: yes.
Comment: The p.Asn2067Leufs*60 variant in the CACNA1A gene results in 4 base pair deletion in exon 43 of 48 exons, which causes a shift in the protein reading frame, leading to a premature termination codon 60 amino acids downstream. Nonsense-mediated decay resulting in a truncated or absent protein is predicted with this variant. These predictions have not been tested directly. Heterozygous loss of function leading to haploinsufficiency of the CACNA1A gene is an established mechanism of disease. This variant was absent from large population databases, including the Genome Aggregation Database. Using ACMG guidelines, this variant was classified as likely pathogenic for autosomal dominant CACNA1A-related neurodevelopmental disorder (ACMG evidence codes used: PVS1, PM2_supporting).

PreventionGenetics, part of Exact Sciences
Classification: Pathogenic for CACNA1A-related condition. Last evaluated: 2024-09-27. Review status: no assertion criteria provided. Collection method: clinical testing. Allele origin: germline. Not counted in ClinVar's aggregate classification.
Comment: The CACNA1A c.6181_6184delAACT variant is predicted to result in a frameshift and premature protein termination (p.Asn2061Leufs*60). To our knowledge, this variant has not been reported in the literature or in a large population database, indicating this variant is rare. Loss of function variants in CACNA1A have been shown to be pathogenic (Damaj et al. 2015. PubMed ID: 25735478; Denier et al. 1999. PubMed ID: 10371528). This variant is interpreted as pathogenic.

Cytogénomique, Hospices Civils de Lyon
Classification: Pathogenic for Developmental and epileptic encephalopathy, 42. Review status: no assertion criteria provided. Collection method: clinical testing. Allele origin: unknown. Inheritance: Autosomal dominant inheritance. Affected: yes. Not counted in ClinVar's aggregate classification.

Literature cited by the submitters: PubMed 10371528 (cited by Labcorp Genetics (formerly Invitae), Labcorp); PubMed 19486177 (cited by Labcorp Genetics (formerly Invitae), Labcorp); PubMed 25735478 (cited by Labcorp Genetics (formerly Invitae), Labcorp); PubMed 27250579 (cited by Labcorp Genetics (formerly Invitae), Labcorp).

NM_001127222.2(CACNA1A):c.6181_6184del (p.Asn2061fs)

Gene: CACNA1A (calcium voltage-gated channel subunit alpha1 A; minus strand). Cytogenetic location: 19p13.13.
Variant type: Deletion.
Coding change: c.6181_6184del on transcript NM_001127222.2 (MANE Select); coding-DNA positions 6181 to 6184, 4 bases deleted (AACT; older notation c.6181_6184delAACT).
Protein change: p.Asn2061fs; shifts the reading frame from asparagine 2061.
Molecular consequence: frameshift variant.
Genome position (GRCh38, 1-based): chr19:13,212,389-13,212,392, AGTT deleted on the plus strand (AACT on the coding strand, the reverse complement: CACNA1A is on the minus strand); deleting any 4 consecutive bases within chr19:13,212,389-13,212,394 gives the same sequence; the c. name uses the placement nearest the transcript's 3' end. VCF-style (leftmost placement, unchanged base first): chr19-13212388-GAGTT-G. GRCh37 (hg19) VCF-style: chr19-13323202-GAGTT-G.
Other names: c.6199_6202del, p.Asn2067fs (NM_000068.4, NM_023035.3); c.6184_6187del, p.Asn2062fs (NM_001127221.2); c.6190_6193del, p.Asn2064fs (NM_001174080.2); c.6181_6184delAACT (NM_001127222.1); short protein forms N2061fs, N2062fs, N2064fs, N2067fs.
Identifiers: ClinVar variation 1526277 (VCV001526277.6), dbSNP rs2144524434, ClinGen allele CA2573156018.